The following is an entry in ClinVar:

NM_005379.4(MYO1A):c.2724+28C>T

Gene: MYO1A (myosin IA; minus strand). Cytogenetic location: 12q13.3.
Variant type: single nucleotide variant.
Coding change: c.2724+28C>T on transcript NM_005379.4 (MANE Select); 28 bases into the intron after coding-DNA position 2724, C replaced by T.
Molecular consequence: intron variant.
Genome position (GRCh38, 1-based): chr12:57,029,712, G>A on the plus strand (C>T on the coding strand, the complement: MYO1A is on the minus strand). VCF-style: chr12-57029712-G-A. GRCh37 (hg19) VCF-style: chr12-57423496-G-A.
Other names: c.2724+28C>T (NM_001256041.2).
Identifiers: ClinVar variation 676684 (VCV000676684.2), dbSNP rs59514028, ClinGen allele CA6639632.

ClinVar aggregate classification (germline): Benign. Review status: criteria provided, multiple submitters, no conflicts (2 of 4 stars). 2 submissions from 2 submitters: Benign (2). Last evaluated 2018-06-16.

Allele frequency attached by ClinVar (database versions not stated): gnomAD exomes 0.00480; ExAC 0.00570; 1000 Genomes Project 0.01917; gnomAD 0.02001; ESP Exome Variant Server 0.02068; TOPMed 0.02089; 1000 Genomes Project 30x 0.02202.
gnomAD v4.1: 5,845 of 1,614,104 alleles (0.36%); highest among the groups gnomAD compares: African/African-American, 6.7%; 187 homozygotes.

Submissions (2):

GeneDx
Classification: Benign. Last evaluated: 2018-06-16. Review status: criteria provided, single submitter. Criteria: GeneDx Variant Classification (06012015). Collection method: clinical testing. Allele origin: germline. Affected: yes.
Comment: This variant is considered likely benign or benign based on one or more of the following criteria: it is a conservative change, it occurs at a poorly conserved position in the protein, it is predicted to be benign by multiple in silico algorithms, and/or has population frequency not consistent with disease.

Breakthrough Genomics
Classification: Benign. Review status: criteria provided, single submitter. Criteria: ACMG Guidelines, 2015. Collection method: not provided. Allele origin: germline. Inheritance: Unknown mechanism. Affected: yes.